The following is an entry in ClinVar:

NM_001256447.2(BCAP31):c.-44-291C>A

Gene: BCAP31 (B cell receptor associated protein 31; minus strand). Cytogenetic location: Xq28.
Variant type: single nucleotide variant.
Coding change: c.-44-291C>A on transcript NM_001256447.2 (MANE Select); 291 bases into the intron before 44 bases upstream of the start codon, C replaced by A.
Molecular consequence: intron variant. On other transcripts: nonsense (1).
Genome position (GRCh38, 1-based): chrX:153,723,579, G>T on the plus strand (C>A on the coding strand, the complement: BCAP31 is on the minus strand). VCF-style: chrX-153723579-G-T. GRCh37 (hg19) VCF-style: chrX-152989034-G-T.
Other names: c.86C>A, p.Ser29Ter (NM_001139457.2); c.-44-291C>A (NM_005745.8, NM_001139441.1); short protein forms S29*.
Identifiers: ClinVar variation 4821830 (VCV004821830.5).

ClinVar aggregate classification (germline): Conflicting classifications of pathogenicity. Review status: criteria provided, conflicting classifications (1 of 4 stars). 2 submissions from 2 submitters: Uncertain significance (1); Likely benign (1). Last evaluated 2026-02-01.

gnomAD v4.1: 30 of 1,167,331 alleles (0.0026%); highest among the groups gnomAD compares: African/African-American, 0.048%; no homozygotes.

Submissions (2):

CeGaT Center for Human Genetics Tuebingen
Classification: Likely benign. Last evaluated: 2026-02-01. Review status: criteria provided, single submitter. Criteria: CeGaT Center For Human Genetics Tuebingen Variant Classification Criteria Version 2. Collection method: clinical testing. Allele origin: germline. Affected: yes. Observed: 1 variant allele.
Comment: BCAP31: BS2

Blueprint Genetics
Classification: Uncertain significance. Last evaluated: 2024-09-11. Review status: criteria provided, single submitter. Criteria: ACMG Guidelines, 2015. Collection method: clinical testing. Allele origin: germline.